The following is an entry in ClinVar:

NM_003000.3(SDHB):c.112C>T (p.Arg38Cys)

Gene: SDHB (succinate dehydrogenase complex iron sulfur subunit B; minus strand). Cytogenetic location: 1p36.13.
Variant type: single nucleotide variant.
Coding change: c.112C>T on transcript NM_003000.3 (MANE Select); coding-DNA position 112, C replaced by T.
Protein change: p.Arg38Cys; replaces arginine 38 with cysteine.
Molecular consequence: missense variant.
Genome position (GRCh38, 1-based): chr1:17,044,849, G>A on the plus strand (C>T on the coding strand, the complement: SDHB is on the minus strand). VCF-style: chr1-17044849-G-A. GRCh37 (hg19) VCF-style: chr1-17371344-G-A.
Other names: short protein forms R38C.
Identifiers: ClinVar variation 371801 (VCV000371801.34), dbSNP rs202119350, ClinGen allele CA089513.

ClinVar aggregate classification (germline): Uncertain significance. Review status: criteria provided, multiple submitters, no conflicts (2 of 4 stars). 13 submissions from 12 submitters: Uncertain significance (11). 2 of the submissions do not count toward it. Last evaluated 2026-04-27.

Conditions:
Pheochromocytoma/paraganglioma syndrome 4. Also called: Paragangliomas 4; SDHB-Related Hereditary Paraganglioma-Pheochromocytoma Syndrome; CAROTID BODY TUMORS AND MULTIPLE EXTRAADRENAL PHEOCHROMOCYTOMAS; PARAGANGLIOMA, FAMILIAL MALIGNANT; PARAGANGLIOMAS, HEREDITARY EXTRAADRENAL; PHEOCHROMOCYTOMA, FAMILIAL EXTRAADRENAL. Identifiers: Orphanet 29072, MedGen C1861848, MONDO:0007273, OMIM 115310.
Pheochromocytoma. Also called: MAX-Related Hereditary Paraganglioma-Pheochromocytoma Syndrome. Identifiers: Orphanet 29072, MedGen C0031511, MONDO:0008233, OMIM 171300, HP:0002666.
Gastrointestinal stromal tumor. Also called: Gastrointestinal stromal tumor, somatic; Gastrointestinal stroma tumor. Identifiers: Orphanet 44890, MedGen C0238198, MeSH D046152, MONDO:0011719, OMIM 606764, HP:0100723.
Carney-Stratakis syndrome. Also called: PARAGANGLIOMA AND GASTROINTESTINAL STROMAL TUMOR. Identifiers: Orphanet 97286, MedGen C1847319, MONDO:0011740, OMIM 606864.
Hereditary cancer-predisposing syndrome. Also called: Hereditary neoplastic syndrome; Neoplastic Syndromes, Hereditary; Hereditary Cancer Syndrome; Tumor predisposition. Identifiers: Orphanet 140162, MedGen C0027672, MeSH D009386, MONDO:0015356.
SDHB-related disorder. Also called: SDHB-related condition; SDHB-related disorders. Identifiers: MedGen CN239418.
Hereditary pheochromocytoma and paraganglioma. Also called: Hereditary Paraganglioma-Pheochromocytoma Syndromes; Hereditary pheochromocytoma-paraganglioma; Hereditary paragangliomas and pheochromocytomas. Identifiers: Orphanet 29072, MedGen C4274332, MONDO:0017366.

Allele frequency attached by ClinVar (database versions not stated): gnomAD exomes 0.00002; ExAC 0.00003; TOPMed 0.00005; gnomAD 0.00006.

Submissions (13):

PreventionGenetics, part of Exact Sciences
Classification: Uncertain significance for SDHB-related condition. Last evaluated: 2026-04-27. Review status: criteria provided, single submitter. Criteria: ACMG Guidelines, 2015. Collection method: clinical testing. Allele origin: germline.
Comment: The SDHB c.112C>T variant is predicted to result in the amino acid substitution p.Arg38Cys. This variant has been reported in individuals with paraganglioma (de Cubas et al. 2013. PubMed ID: 23660872; Parisien-La Salle et al. 2021. PubMed ID: 34750850). Functional studies have shown that this amino acid alteration affects SDHB function (Zheng et al. 2023. PubMed ID: 37840772). This variant is reported in 0.0056% of alleles in individuals of Latino descent in gnomAD and is interpreted as uncertain in ClinVar (Variation ID: 371801). At this time, the clinical significance of this variant is uncertain due to the absence of conclusive functional and genetic evidence.

Labcorp Genetics (formerly Invitae), Labcorp
Classification: Uncertain significance for Gastrointestinal stromal tumor; Pheochromocytoma/paraganglioma syndrome 4; Pheochromocytoma. Last evaluated: 2025-12-11. Review status: criteria provided, single submitter. Criteria: Invitae Variant Classification Sherloc (09022015). Collection method: clinical testing. Allele origin: germline.
Comment: This sequence change replaces arginine, which is basic and polar, with cysteine, which is neutral and slightly polar, at codon 38 of the SDHB protein (p.Arg38Cys). This variant is present in population databases (rs202119350, gnomAD 0.006%). This missense change has been observed in individuals with paraganglioma (PMID: 23660872; internal data). ClinVar contains an entry for this variant (Variation ID: 371801). Invitae Evidence Modeling of protein sequence and biophysical properties (such as structural, functional, and spatial information, amino acid conservation, physicochemical variation, residue mobility, and thermodynamic stability) has been performed for this missense variant. However, the output from this modeling did not meet the statistical confidence thresholds required to predict the impact of this variant on SDHB protein function. Experimental studies have shown that this missense change affects SDHB function (PMID: 37840772). In summary, the available evidence is currently insufficient to determine the role of this variant in disease. Therefore, it has been classified as a Variant of Uncertain Significance.

Color Diagnostics, LLC DBA Color Health
Classification: Uncertain significance for Hereditary pheochromocytoma and paraganglioma. Last evaluated: 2025-06-23. Review status: criteria provided, single submitter. Criteria: ACMG Guidelines, 2015. Collection method: clinical testing. Allele origin: germline.
Comment: This missense variant replaces arginine with cysteine at codon 38 of the SDHB protein. Computational prediction suggests that this variant may have deleterious impact on protein structure and function. A functional study has shown that this variant is involved in regulation of genes associated with antioxidant systems and energy metabolism in yeast (PMID: 37840772). This variant has been reported in individuals affected with paraganglioma (PMID: 23660872, 34750850). This variant has been identified in 8/282630 chromosomes in the general population by the Genome Aggregation Database (gnomAD). The available evidence is insufficient to determine the role of this variant in disease conclusively. Therefore, this variant is classified as a Variant of Uncertain Significance.

Center for Genomic Medicine, Rigshospitalet, Copenhagen University Hospital
Classification: Uncertain significance. Last evaluated: 2025-03-04. Review status: criteria provided, single submitter. Criteria: ACMG Guidelines, 2015. Collection method: clinical testing. Allele origin: germline.

Ambry Genetics
Classification: Uncertain significance for Hereditary cancer-predisposing syndrome. Last evaluated: 2024-05-07. Review status: criteria provided, single submitter. Criteria: Ambry Variant Classification Scheme 2023. Collection method: clinical testing. Allele origin: germline.
Comment: The p.R38C variant (also known as c.112C>T), located in coding exon 2 of the SDHB gene, results from a C to T substitution at nucleotide position 112. The arginine at codon 38 is replaced by cysteine, an amino acid with highly dissimilar properties. This alteration has been previously identified in an individual with metastatic parganglioma (de Cubas AA et al. Endocr. Relat. Cancer. 2013 Aug;20(4):477-93), but was also identified in 2/1358 non-cancer control individuals and in 0/57 cases, in a study looking at cancer predisposition mutations in patients with cutaneous melanoma and a history of at least two additional non-cutaneous melanoma primary cancers (Pritchard AL et al. PLoS One 2018 Apr;13(4):e0194098). This amino acid position is highly conserved in available vertebrate species. In addition, this alteration is predicted to be deleterious by in silico analysis. Since supporting evidence is limited at this time, the clinical significance of this alteration remains unclear.

Baylor Genetics
Classification: Uncertain significance for Gastrointestinal stromal tumor. Last evaluated: 2024-03-10. Review status: criteria provided, single submitter. Criteria: ACMG Guidelines, 2015. Collection method: clinical testing. Allele origin: unknown.

GeneDx
Classification: Uncertain significance. Last evaluated: 2023-07-21. Review status: criteria provided, single submitter. Criteria: GeneDx Variant Classification Process June 2021. Collection method: clinical testing. Allele origin: germline. Affected: yes.
Comment: Not observed at significant frequency in large population cohorts (gnomAD); In silico analysis supports that this missense variant has a deleterious effect on protein structure/function; Observed in individuals with pheochromocytoma or paraganglioma (de Cubas et al., 2013; Parisien-La Salle et al., 2022); This variant is associated with the following publications: (PMID: 34072806, 23660872, 26269449, 29641532, 34750850)

Myriad Genetics, Inc.
Classification: Uncertain significance for Pheochromocytoma/paraganglioma syndrome 4. Last evaluated: 2023-04-24. Review status: criteria provided, single submitter. Criteria: Myriad Autosomal Dominant, Autosomal Recessive and X-Linked Classification Criteria (2023). Collection method: clinical testing. Allele origin: unknown.
Comment: This variant is classified as a variant of uncertain significance as there is insufficient evidence to determine its impact on protein function and/or cancer risk.

Baylor Genetics
Classification: Uncertain significance for Gastrointestinal stromal tumor. Last evaluated: 2021-04-02. Review status: criteria provided, single submitter. Criteria: ACMG Guidelines, 2015. Collection method: clinical testing. Allele origin: unknown. Affected: yes. Study: CSER-TexasKidsCanSeq.
Comment: This variant was determined to be of uncertain significance according to ACMG Guidelines, 2015 [PMID:25741868].

Mendelics
Classification: Uncertain significance for Gastrointestinal stromal tumor. Last evaluated: 2019-05-28. Review status: criteria provided, single submitter. Criteria: Mendelics Assertion Criteria 2017. Collection method: clinical testing. Allele origin: unknown.

Fulgent Genetics
Classification: Uncertain significance for Pheochromocytoma/paraganglioma syndrome 4; Pheochromocytoma; Carney-Stratakis syndrome. Last evaluated: 2018-10-31. Review status: criteria provided, single submitter. Criteria: ACMG Guidelines, 2015. Collection method: clinical testing. Allele origin: unknown.

Gharavi Laboratory, Columbia University
Classification: Uncertain significance. Last evaluated: 2018-09-16. Review status: no assertion criteria provided. Criteria: ACMG Guidelines, 2015. Collection method: research. Allele origin: germline. Affected: no. Not counted in ClinVar's aggregate classification.

Counsyl
Classification: Uncertain significance for Pheochromocytoma/paraganglioma syndrome 4. Last evaluated: 2015-12-08. Review status: no assertion criteria provided. Collection method: clinical testing. Allele origin: unknown. Not counted in ClinVar's aggregate classification.

Literature cited by the submitters: PubMed 23660872 (cited by 4 submitters); PubMed 37840772 (cited by Labcorp Genetics (formerly Invitae), Labcorp and Color Diagnostics, LLC DBA Color Health); PubMed 34750850 (cited by Color Diagnostics, LLC DBA Color Health); PubMed 26269449 (cited by Center for Genomic Medicine, Rigshospitalet, Copenhagen University Hospital and Ambry Genetics).